The following is an entry in ClinVar:

NM_004655.4(AXIN2):c.1501G>A (p.Gly501Arg)

Gene: AXIN2 (axin 2; minus strand). Cytogenetic location: 17q24.1.
Variant type: single nucleotide variant.
Coding change: c.1501G>A on transcript NM_004655.4 (MANE Select); coding-DNA position 1501, G replaced by A.
Protein change: p.Gly501Arg; replaces glycine 501 with arginine.
Molecular consequence: missense variant.
Genome position (GRCh38, 1-based): chr17:65,537,535, C>T on the plus strand (G>A on the coding strand, the complement: AXIN2 is on the minus strand). VCF-style: chr17-65537535-C-T. GRCh37 (hg19) VCF-style: chr17-63533653-C-T.
Other names: c.1501G>A, p.Gly501Arg (NM_001363813.1); c.1501G>A (LRG_296t1); short protein forms G501R.
Identifiers: ClinVar variation 569970 (VCV000569970.14), dbSNP rs1567755834, ClinGen allele CA400677385.

ClinVar aggregate classification (germline): Uncertain significance. Review status: criteria provided, multiple submitters, no conflicts (2 of 4 stars). 3 submissions from 3 submitters: Uncertain significance (3). Last evaluated 2025-07-30.

Conditions:
Hereditary cancer-predisposing syndrome. Also called: Hereditary neoplastic syndrome; Tumor predisposition; Neoplastic Syndromes, Hereditary; Hereditary Cancer Syndrome. Identifiers: Orphanet 140162, MedGen C0027672, MeSH D009386, MONDO:0015356.
Oligodontia-cancer predisposition syndrome. Also called: TOOTH AGENESIS-COLORECTAL CANCER SYNDROME. Identifiers: Orphanet 300576, MedGen C1837750, MONDO:0012075, OMIM 608615. Disease mechanism: loss of function.

Allele frequency attached by ClinVar (database versions not stated): gnomAD exomes 0.00001.
gnomAD v4.1: 3 of 1,613,426 alleles (0.00019%); highest among the groups gnomAD compares: Admixed American, 0.0017%; no homozygotes.

Submissions (3):

Labcorp Genetics (formerly Invitae), Labcorp
Classification: Uncertain significance for Oligodontia-cancer predisposition syndrome. Last evaluated: 2025-07-30. Review status: criteria provided, single submitter. Criteria: Invitae Variant Classification Sherloc (09022015). Collection method: clinical testing. Allele origin: germline.
Comment: This sequence change replaces glycine, which is neutral and non-polar, with arginine, which is basic and polar, at codon 501 of the AXIN2 protein (p.Gly501Arg). This variant is not present in population databases (gnomAD no frequency). This variant has not been reported in the literature in individuals affected with AXIN2-related conditions. ClinVar contains an entry for this variant (Variation ID: 569970). An algorithm developed to predict the effect of missense changes on protein structure and function outputs the following: PolyPhen-2: "Benign". The arginine amino acid residue is found in multiple mammalian species, which suggests that this missense change does not adversely affect protein function. In summary, the available evidence is currently insufficient to determine the role of this variant in disease. Therefore, it has been classified as a Variant of Uncertain Significance.

GeneDx
Classification: Uncertain significance. Last evaluated: 2024-11-24. Review status: criteria provided, single submitter. Criteria: GeneDx Variant Classification Process June 2021. Collection method: clinical testing. Allele origin: germline. Affected: yes.
Comment: Not observed at significant frequency in large population cohorts (gnomAD); In silico analysis indicates that this missense variant does not alter protein structure/function; Has not been previously published as pathogenic or benign to our knowledge

Ambry Genetics
Classification: Uncertain significance for Hereditary cancer-predisposing syndrome. Last evaluated: 2024-06-21. Review status: criteria provided, single submitter. Criteria: Ambry Variant Classification Scheme 2023. Collection method: clinical testing. Allele origin: germline.
Comment: The p.G501R variant (also known as c.1501G>A), located in coding exon 5 of the AXIN2 gene, results from a G to A substitution at nucleotide position 1501. The glycine at codon 501 is replaced by arginine, an amino acid with dissimilar properties. This amino acid position is not well conserved in available vertebrate species. In addition, this alteration is predicted to be tolerated by in silico analysis. Since supporting evidence is limited at this time, the clinical significance of this alteration remains unclear.